The following is an entry in ClinVar:

ClinVar aggregate classification (germline): Likely pathogenic. Review status: criteria provided, multiple submitters, no conflicts (2 of 4 stars). 2 submissions from 2 submitters: Likely pathogenic (2). Last evaluated 2021-04-12.

Conditions:
Hearing impairment. Also called: Impaired Hearing. Identifiers: MedGen C1384666, MONDO:0005365, HP:0000365.

Submissions (2):

Department of Otolaryngology – Head & Neck Surgery, Cochlear Implant Center
Classification: Likely pathogenic for Hearing impairment. Last evaluated: 2021-04-12. Review status: criteria provided, single submitter. Criteria: ClinGen HL ACMG Specifications v1. Collection method: clinical testing. Allele origin: germline. Affected: yes.
Comment: PVS1_Strong, PM2_Moderate

CeGaT Center for Human Genetics Tuebingen
Classification: Likely pathogenic. Last evaluated: 2016-08-01. Review status: criteria provided, single submitter. Criteria: CeGaT Center For Human Genetics Tuebingen Variant Classification Criteria Version 2. Collection method: clinical testing. Allele origin: germline. Affected: yes. Observed: 1 variant allele.

NM_005422.4(TECTA):c.2359del (p.Glu787fs)

Genes: TBCEL-TECTA (TBCEL-TECTA readthrough; plus strand), TECTA (tectorin alpha; plus strand). Cytogenetic location: 11q23.3.
Variant type: Deletion.
Coding change: c.2359del on transcript NM_005422.4 (MANE Select); coding-DNA position 2359, one base deleted (G; older notation c.2359delG).
Protein change: p.Glu787fs; shifts the reading frame from glutamic acid 787.
Molecular consequence: frameshift variant.
Genome position (GRCh38, 1-based): chr11:121,128,336, G deleted; the last of 2 consecutive G bases (chr11:121,128,335-121,128,336); deleting either gives the same sequence. VCF-style (leftmost placement, unchanged base first): chr11-121128334-CG-C. GRCh37 (hg19) VCF-style: chr11-120999043-CG-C.
Other names: c.3316del, p.Glu1106fs (NM_001378761.1); short protein forms E787fs, E1106fs.
Identifiers: ClinVar variation 374550 (VCV000374550.46), dbSNP rs1057519150, ClinGen allele CA16043791.